The following is an entry in ClinVar:

ClinVar aggregate classification (germline): Uncertain significance (1 of 4 stars; one submission).

gnomAD v4.1: 8 of 1,613,296 alleles (0.0005%); highest among the groups gnomAD compares: East Asian, 0.011%; no homozygotes.

Submission:

Labcorp Genetics (formerly Invitae), Labcorp
Classification: Uncertain significance. Last evaluated: 2024-03-02. Review status: criteria provided, single submitter. Criteria: Invitae Variant Classification Sherloc (09022015). Collection method: clinical testing. Allele origin: germline.
Comment: This sequence change replaces tyrosine, which is neutral and polar, with cysteine, which is neutral and slightly polar, at codon 489 of the CTNNB1 protein (p.Tyr489Cys). This variant is present in population databases (rs780428505, gnomAD 0.03%). This variant has not been reported in the literature in individuals affected with CTNNB1-related conditions. Advanced modeling of protein sequence and biophysical properties (such as structural, functional, and spatial information, amino acid conservation, physicochemical variation, residue mobility, and thermodynamic stability) performed at Invitae indicates that this missense variant is expected to disrupt CTNNB1 protein function with a positive predictive value of 80%. In summary, the available evidence is currently insufficient to determine the role of this variant in disease. Therefore, it has been classified as a Variant of Uncertain Significance.

NM_001904.4(CTNNB1):c.1466A>G (p.Tyr489Cys)

Genes: CTNNB1 (catenin beta 1; plus strand), LOC126806659 (BRD4-independent group 4 enhancer GRCh37_chr3:41274918-41276117; plus strand). Cytogenetic location: 3p22.1.
Variant type: single nucleotide variant.
Coding change: c.1466A>G on transcript NM_001904.4 (MANE Select); coding-DNA position 1466, A replaced by G.
Protein change: p.Tyr489Cys; replaces tyrosine 489 with cysteine.
Molecular consequence: missense variant.
Genome position (GRCh38, 1-based): chr3:41,233,809, A>G. VCF-style: chr3-41233809-A-G. GRCh37 (hg19) VCF-style: chr3-41275300-A-G.
Other names: c.1466A>G, p.Tyr489Cys (NM_001098209.2, NM_001098210.2); c.1445A>G, p.Tyr482Cys (NM_001330729.2); short protein forms Y482C, Y489C.
Identifiers: ClinVar variation 3679608 (VCV003679608.2).